The following is an entry in ClinVar:

ClinVar aggregate classification (germline): Conflicting classifications of pathogenicity. Review status: criteria provided, conflicting classifications (1 of 4 stars). 2 submissions from 2 submitters: Uncertain significance (1); Likely benign (1). Last evaluated 2025-10-13.

Conditions:
Hereditary cancer-predisposing syndrome. Also called: Hereditary neoplastic syndrome; Neoplastic Syndromes, Hereditary; Tumor predisposition; Hereditary Cancer Syndrome. Identifiers: Orphanet 140162, MedGen C0027672, MeSH D009386, MONDO:0015356.
Multiple endocrine neoplasia type 4. Also called: MULTIPLE ENDOCRINE NEOPLASIA, TYPE IV. Identifiers: Orphanet 276152, MedGen C1970712, MONDO:0012552, OMIM 610755.

Allele frequency attached by ClinVar (database versions not stated): gnomAD exomes below 0.00001.

Submissions (2):

Labcorp Genetics (formerly Invitae), Labcorp
Classification: Uncertain significance for Multiple endocrine neoplasia type 4. Last evaluated: 2025-10-13. Review status: criteria provided, single submitter. Criteria: Invitae Variant Classification Sherloc (09022015). Collection method: clinical testing. Allele origin: germline.
Comment: This sequence change replaces serine, which is neutral and polar, with asparagine, which is neutral and polar, at codon 112 of the CDKN1B protein (p.Ser112Asn). This variant is present in population databases (no rsID available, gnomAD 0.0009%). This variant has not been reported in the literature in individuals affected with CDKN1B-related conditions. ClinVar contains an entry for this variant (Variation ID: 469021). An algorithm developed to predict the effect of missense changes on protein structure and function outputs the following: PolyPhen-2: "Benign". The asparagine amino acid residue is found in multiple mammalian species, which suggests that this missense change does not adversely affect protein function. In summary, the available evidence is currently insufficient to determine the role of this variant in disease. Therefore, it has been classified as a Variant of Uncertain Significance.

Ambry Genetics
Classification: Likely benign for Hereditary cancer-predisposing syndrome. Last evaluated: 2020-06-30. Review status: criteria provided, single submitter. Criteria: Ambry Variant Classification Scheme 2023. Collection method: clinical testing. Allele origin: germline.

NM_004064.5(CDKN1B):c.335G>A (p.Ser112Asn)

Gene: CDKN1B (cyclin dependent kinase inhibitor 1B; plus strand). Cytogenetic location: 12p13.1.
Variant type: single nucleotide variant.
Coding change: c.335G>A on transcript NM_004064.5 (MANE Select); coding-DNA position 335, G replaced by A.
Protein change: p.Ser112Asn; replaces serine 112 with asparagine.
Molecular consequence: missense variant.
Genome position (GRCh38, 1-based): chr12:12,718,174, G>A. VCF-style: chr12-12718174-G-A. GRCh37 (hg19) VCF-style: chr12-12871108-G-A.
Other names: short protein forms S112N.
Identifiers: ClinVar variation 469021 (VCV000469021.12), dbSNP rs1391369844, ClinGen allele CA383970271.